The following is an entry in ClinVar:

NM_170606.3(KMT2C):c.14550G>A (p.Ser4850=)

Gene: KMT2C (lysine methyltransferase 2C; minus strand). Cytogenetic location: 7q36.1.
Variant type: single nucleotide variant.
Coding change: c.14550G>A on transcript NM_170606.3 (MANE Select); coding-DNA position 14550, G replaced by A.
Protein change: p.Ser4850=; no amino-acid change (serine 4850 retained).
Molecular consequence: synonymous variant.
Genome position (GRCh38, 1-based): chr7:152,138,889, C>T on the plus strand (G>A on the coding strand, the complement: KMT2C is on the minus strand). VCF-style: chr7-152138889-C-T. GRCh37 (hg19) VCF-style: chr7-151835974-C-T.
Identifiers: ClinVar variation 1639812 (VCV001639812.31), dbSNP rs575625744, ClinGen allele CA4578351.

ClinVar aggregate classification (germline): Likely benign. Review status: criteria provided, multiple submitters, no conflicts (2 of 4 stars). 3 submissions from 3 submitters: Likely benign (3). Last evaluated 2024-01-01.

Allele frequency attached by ClinVar (database versions not stated): gnomAD 0.00006 and 0.00007; gnomAD exomes 0.00006; ExAC 0.00007; TOPMed 0.00007; 1000 Genomes Project 0.00060; 1000 Genomes Project 30x 0.00062.
gnomAD v4.1: 187 of 1,613,600 alleles (0.012%); highest among the groups gnomAD compares: African/African-American, 0.02%; 1 homozygote.

Submissions (3):

CeGaT Center for Human Genetics Tuebingen
Classification: Likely benign. Last evaluated: 2024-01-01. Review status: criteria provided, single submitter. Criteria: CeGaT Center For Human Genetics Tuebingen Variant Classification Criteria Version 2. Collection method: clinical testing. Allele origin: germline. Affected: yes. Observed: 1 variant allele.
Comment: KMT2C: BP4, BP7

Blueprint Genetics
Classification: Likely benign. Last evaluated: 2022-10-10. Review status: criteria provided, single submitter. Criteria: ACMG Guidelines, 2015. Collection method: clinical testing. Allele origin: germline.

Labcorp Genetics (formerly Invitae), Labcorp
Classification: Likely benign. Last evaluated: 2021-08-12. Review status: criteria provided, single submitter. Criteria: Invitae Variant Classification Sherloc (09022015). Collection method: clinical testing. Allele origin: germline.